The following is an entry in ClinVar:

NM_000155.4(GALT):c.688-47G>A

Gene: GALT (galactose-1-phosphate uridylyltransferase; plus strand). Cytogenetic location: 9p13.3.
Variant type: single nucleotide variant.
Coding change: c.688-47G>A on transcript NM_000155.4 (MANE Select); 47 bases into the intron before coding-DNA position 688, G replaced by A.
Molecular consequence: intron variant.
Genome position (GRCh38, 1-based): chr9:34,648,715, G>A. VCF-style: chr9-34648715-G-A. GRCh37 (hg19) VCF-style: chr9-34648712-G-A.
Other names: c.361-47G>A (NM_001258332.2).
Identifiers: ClinVar variation 4293818 (VCV004293818.1).

ClinVar aggregate classification (germline): Uncertain significance (1 of 4 stars; one submission).

Conditions:
Deficiency of UDPglucose-hexose-1-phosphate uridylyltransferase. Also called: GALACTOSE-1-PHOSPHATE URIDYLYLTRANSFERASE DEFICIENCY; GALACTOSEMIA I; GALT deficiency; Galactosemia, classic; Transferase Deficiency Galactosemia. Identifiers: Orphanet 352, Orphanet 79239, MedGen C0268151, MONDO:0009258, OMIM 230400.

gnomAD v4.1: 69 of 1,609,968 alleles (0.0043%); highest among the groups gnomAD compares: African/African-American, 0.015%; no homozygotes.

Submission:

3billion
Classification: Uncertain significance for Deficiency of UDPglucose-hexose-1-phosphate uridylyltransferase. Last evaluated: 2025-01-09. Review status: criteria provided, single submitter. Criteria: ACMG Guidelines, 2015. Collection method: clinical testing. Allele origin: germline. Affected: yes.
Comment: The variant is observed at an extremely low frequency in the gnomAD v4.1.0 dataset (total allele frequency: 0.004%). Predicted Consequence/Location: Intron variant In silico tools do not predict the variant to alter splicing and produce an abnormal transcript [SpliceAI: 0.03 (<=0.1, moderate evidence for non-spliceogenicity)]. However, functional analysis for splicing alteration may yield varying results. Therefore, this variant is classified as VUS according to the recommendation of ACMG/AMP guideline.